The following is an entry in ClinVar:

NM_000238.4(KCNH2):c.2965+6C>A

Gene: KCNH2 (potassium voltage-gated channel subfamily H member 2; minus strand). Cytogenetic location: 7q36.1.
Variant type: single nucleotide variant.
Coding change: c.2965+6C>A on transcript NM_000238.4 (MANE Select); 6 bases into the intron after coding-DNA position 2965, C replaced by A.
Molecular consequence: intron variant.
Genome position (GRCh38, 1-based): chr7:150,947,600, G>T on the plus strand (C>A on the coding strand, the complement: KCNH2 is on the minus strand). VCF-style: chr7-150947600-G-T. GRCh37 (hg19) VCF-style: chr7-150644688-G-T.
Other names: c.2677+6C>A (NM_001406753.1); c.1945+6C>A (NM_172057.3).
Identifiers: ClinVar variation 4758387 (VCV004758387.1).

ClinVar aggregate classification (germline): Uncertain significance (1 of 4 stars; one submission).

Conditions:
Cardiac arrhythmia. Also called: Arrhythmia; Cardiac rhythm disease. Identifiers: MedGen C0003811, MONDO:0007263, HP:0011675.

Submission:

Color Diagnostics, LLC DBA Color Health
Classification: Uncertain significance for Cardiac arrhythmia. Last evaluated: 2025-08-04. Review status: criteria provided, single submitter. Criteria: ACMG Guidelines, 2015. Collection method: clinical testing. Allele origin: germline.
Comment: This variant causes a C to A nucleotide substitution at the +6 position of intron 12 of the KCNH2 gene. To our knowledge, functional studies have not been reported for this variant. This variant has not been reported in individuals affected with KCNH2-related disorders in the literature. This variant has not been identified in the general population by the Genome Aggregation Database (gnomAD). The available evidence is insufficient to determine the role of this variant in disease conclusively. Therefore, this variant is classified as a Variant of Uncertain Significance.